The following is an entry in ClinVar:

NM_001040108.2(MLH3):c.241G>T (p.Val81Leu)

Gene: MLH3 (mutL homolog 3; minus strand). Cytogenetic location: 14q24.3.
Variant type: single nucleotide variant.
Coding change: c.241G>T on transcript NM_001040108.2 (MANE Select); coding-DNA position 241, G replaced by T.
Protein change: p.Val81Leu; replaces valine 81 with leucine.
Molecular consequence: missense variant.
Genome position (GRCh38, 1-based): chr14:75,049,415, C>A on the plus strand (G>T on the coding strand, the complement: MLH3 is on the minus strand). VCF-style: chr14-75049415-C-A. GRCh37 (hg19) VCF-style: chr14-75516118-C-A.
Other names: c.241G>T, p.Val81Leu (NM_014381.3); short protein forms V81L.
Identifiers: ClinVar variation 3396780 (VCV003396780.1).

ClinVar aggregate classification (germline): Uncertain significance (1 of 4 stars; one submission).

Submission:

Ambry Genetics
Classification: Uncertain significance. Last evaluated: 2024-11-25. Review status: criteria provided, single submitter. Criteria: Ambry Variant Classification Scheme 2023. Collection method: clinical testing. Allele origin: germline.
Comment: The p.V81L variant (also known as c.241G>T), located in coding exon 1 of the MLH3 gene, results from a G to T substitution at nucleotide position 241. The valine at codon 81 is replaced by leucine, an amino acid with highly similar properties. This amino acid position is conserved. In addition, this alteration is predicted to be tolerated by in silico analysis. Based on the available evidence, the clinical significance of this variant remains unclear.